The following is an entry in ClinVar:

ClinVar aggregate classification (germline): Uncertain significance (1 of 4 stars; one submission).

Conditions:
Charcot-Marie-Tooth disease type 2. Also called: Charcot-Marie-Tooth type 2. Identifiers: Orphanet 64746, MedGen C0270914, MONDO:0018993.

Submission:

Labcorp Genetics (formerly Invitae), Labcorp
Classification: Uncertain significance for Charcot-Marie-Tooth disease type 2. Last evaluated: 2019-10-27. Review status: criteria provided, single submitter. Criteria: Invitae Variant Classification Sherloc (09022015). Collection method: clinical testing. Allele origin: germline.
Comment: This sequence change replaces tyrosine with asparagine at codon 222 of the AARS protein (p.Tyr222Asn). The tyrosine residue is weakly conserved and there is a large physicochemical difference between tyrosine and asparagine. This variant is not present in population databases (ExAC no frequency). This variant has not been reported in the literature in individuals with AARS-related conditions. Algorithms developed to predict the effect of missense changes on protein structure and function are either unavailable or do not agree on the potential impact of this missense change (SIFT: "Deleterious"; PolyPhen-2: "Possibly Damaging"; Align-GVGD: "Class C0"). In summary, the available evidence is currently insufficient to determine the role of this variant in disease. Therefore, it has been classified as a Variant of Uncertain Significance.

NM_001605.3(AARS1):c.664T>A (p.Tyr222Asn)

Gene: AARS1 (alanyl-tRNA synthetase 1; minus strand). Cytogenetic location: 16q22.1.
Variant type: single nucleotide variant.
Coding change: c.664T>A on transcript NM_001605.3 (MANE Select); coding-DNA position 664, T replaced by A.
Protein change: p.Tyr222Asn; replaces tyrosine 222 with asparagine.
Molecular consequence: missense variant.
Genome position (GRCh38, 1-based): chr16:70,271,788, A>T on the plus strand (T>A on the coding strand, the complement: AARS1 is on the minus strand). VCF-style: chr16-70271788-A-T. GRCh37 (hg19) VCF-style: chr16-70305691-A-T.
Other names: short protein forms Y222N.
Identifiers: ClinVar variation 954897 (VCV000954897.9), dbSNP rs1960408934, ClinGen allele CA396566406.